The following is an entry in ClinVar:

NM_004304.5(ALK):c.2900C>T (p.Thr967Ile)

Gene: ALK (ALK receptor tyrosine kinase; minus strand). Cytogenetic location: 2p23.2.
Variant type: single nucleotide variant.
Coding change: c.2900C>T on transcript NM_004304.5 (MANE Select); coding-DNA position 2900, C replaced by T.
Protein change: p.Thr967Ile; replaces threonine 967 with isoleucine.
Molecular consequence: missense variant.
Genome position (GRCh38, 1-based): chr2:29,227,588, G>A on the plus strand (C>T on the coding strand, the complement: ALK is on the minus strand). VCF-style: chr2-29227588-G-A. GRCh37 (hg19) VCF-style: chr2-29450454-G-A.
Other names: short protein forms T967I.
Identifiers: ClinVar variation 4715433 (VCV004715433.1).

ClinVar aggregate classification (germline): Uncertain significance (1 of 4 stars; one submission).

Conditions:
Neuroblastoma, susceptibility to, 3. Also called: ALK-Related Neuroblastic Tumor Susceptibility. Identifiers: Orphanet 635, MedGen C2751681, MONDO:0013083, OMIM 613014.

Submission:

Labcorp Genetics (formerly Invitae), Labcorp
Classification: Uncertain significance for Neuroblastoma, susceptibility to, 3. Last evaluated: 2025-03-19. Review status: criteria provided, single submitter. Criteria: Invitae Variant Classification Sherloc (09022015). Collection method: clinical testing. Allele origin: germline.
Comment: This sequence change replaces threonine, which is neutral and polar, with isoleucine, which is neutral and non-polar, at codon 967 of the ALK protein (p.Thr967Ile). This variant is not present in population databases (gnomAD no frequency). This variant has not been reported in the literature in individuals affected with ALK-related conditions. An algorithm developed to predict the effect of missense changes on protein structure and function (PolyPhen-2) suggests that this variant is likely to be disruptive. In summary, the available evidence is currently insufficient to determine the role of this variant in disease. Therefore, it has been classified as a Variant of Uncertain Significance.